The following is an entry in ClinVar:

ClinVar aggregate classification (germline): Likely benign. Review status: criteria provided, multiple submitters, no conflicts (2 of 4 stars). 2 submissions from 2 submitters: Likely benign (2). Last evaluated 2025-03-10.

Conditions:
Nephronophthisis. Also called: Juvenile Nephronophthisis. Identifiers: Orphanet 655, MedGen C0687120, MONDO:0019005, HP:0000090.

Allele frequency attached by ClinVar (database versions not stated): ExAC 0.00002; gnomAD 0.00002; TOPMed 0.00002; gnomAD exomes 0.00006.
gnomAD v4.1: 93 of 1,613,066 alleles (0.0058%); highest among the groups gnomAD compares: Non-Finnish European, 0.0075%; no homozygotes.

Submissions (2):

Labcorp Genetics (formerly Invitae), Labcorp
Classification: Likely benign for Nephronophthisis. Last evaluated: 2025-03-10. Review status: criteria provided, single submitter. Criteria: Invitae Variant Classification Sherloc (09022015). Collection method: clinical testing. Allele origin: germline.

CeGaT Center for Human Genetics Tuebingen
Classification: Likely benign. Last evaluated: 2023-07-01. Review status: criteria provided, single submitter. Criteria: CeGaT Center For Human Genetics Tuebingen Variant Classification Criteria Version 2. Collection method: clinical testing. Allele origin: germline. Affected: yes. Observed: 1 variant allele.
Comment: INVS: BP4, BP7

NM_014425.5(INVS):c.90A>G (p.Leu30=)

Gene: INVS (inversin; plus strand). Cytogenetic location: 9q31.1.
Variant type: single nucleotide variant.
Coding change: c.90A>G on transcript NM_014425.5 (MANE Select); coding-DNA position 90, A replaced by G.
Protein change: p.Leu30=; no amino-acid change (leucine 30 retained).
Molecular consequence: synonymous variant. On other transcripts: 5 prime UTR variant (2), non-coding transcript variant (1).
Genome position (GRCh38, 1-based): chr9:100,104,611, A>G. VCF-style: chr9-100104611-A-G. GRCh37 (hg19) VCF-style: chr9-102866893-A-G.
Other names: c.-287A>G (NM_001318381.2); c.-900A>G (NM_001318382.2).
Identifiers: ClinVar variation 2579069 (VCV002579069.28), dbSNP rs770086181, ClinGen allele CA5158058.